The following is an entry in ClinVar:

ClinVar aggregate classification (germline): Uncertain significance (1 of 4 stars; one submission).

Allele frequency attached by ClinVar (database versions not stated): gnomAD 0.00001.
gnomAD v4.1: 1 of 1,613,852 alleles (0.000062%); highest among the groups gnomAD compares: Non-Finnish European, 0.000085%; no homozygotes.

Submission:

Labcorp Genetics (formerly Invitae), Labcorp
Classification: Uncertain significance. Last evaluated: 2022-05-21. Review status: criteria provided, single submitter. Criteria: Invitae Variant Classification Sherloc (09022015). Collection method: clinical testing. Allele origin: germline.
Comment: Algorithms developed to predict the effect of missense changes on protein structure and function are either unavailable or do not agree on the potential impact of this missense change (SIFT: "Deleterious"; PolyPhen-2: "Possibly Damaging"; Align-GVGD: "Class C0"). In summary, the available evidence is currently insufficient to determine the role of this variant in disease. Therefore, it has been classified as a Variant of Uncertain Significance. This variant has not been reported in the literature in individuals affected with ATP1A1-related conditions. This sequence change replaces alanine, which is neutral and non-polar, with threonine, which is neutral and polar, at codon 541 of the ATP1A1 protein (p.Ala541Thr). This variant is not present in population databases (gnomAD no frequency).

NM_000701.8(ATP1A1):c.1621G>A (p.Ala541Thr)

Genes: ATP1A1 (ATPase Na+/K+ transporting subunit alpha 1; plus strand), ATP1A1-AS1 (ATP1A1 antisense RNA 1; minus strand). Cytogenetic location: 1p13.1.
Variant type: single nucleotide variant.
Coding change: c.1621G>A on transcript NM_000701.8 (MANE Select); coding-DNA position 1621, G replaced by A.
Protein change: p.Ala541Thr; replaces alanine 541 with threonine.
Molecular consequence: missense variant.
Genome position (GRCh38, 1-based): chr1:116,393,684, G>A. VCF-style: chr1-116393684-G-A. GRCh37 (hg19) VCF-style: chr1-116936306-G-A.
Other names: c.1621G>A, p.Ala541Thr (NM_001160233.2); c.1528G>A, p.Ala510Thr (NM_001160234.2); short protein forms A510T, A541T.
Identifiers: ClinVar variation 1997752 (VCV001997752.4), dbSNP rs1652657631, ClinGen allele CA341771225.